The following is an entry in ClinVar:

NM_000276.4(OCRL):c.1370G>C (p.Arg457Pro)

Gene: OCRL (OCRL inositol polyphosphate-5-phosphatase; plus strand). Cytogenetic location: Xq26.1.
Variant type: single nucleotide variant.
Coding change: c.1370G>C on transcript NM_000276.4 (MANE Select); coding-DNA position 1370, G replaced by C.
Protein change: p.Arg457Pro; replaces arginine 457 with proline.
Molecular consequence: missense variant.
Genome position (GRCh38, 1-based): chrX:129,567,267, G>C. VCF-style: chrX-129567267-G-C. GRCh37 (hg19) VCF-style: chrX-128701244-G-C.
Other names: c.1373G>C, p.Arg458Pro (NM_001318784.2); c.1370G>C, p.Arg457Pro (NM_001587.4); short protein forms R458P, R457P.
Identifiers: ClinVar variation 647197 (VCV000647197.4), dbSNP rs1602791150, ClinGen allele CA414615505.

ClinVar aggregate classification (germline): Uncertain significance (1 of 4 stars; one submission).

Conditions:
Lowe syndrome (OCRL). Also called: LOWE OCULOCEREBRORENAL SYNDROME; Oculocerebrorenal Syndrome; PHOSPHATIDYLINOSITOL 4,5-BISPHOSPHATE 5-PHOSPHATASE DEFICIENCY. Identifiers: Orphanet 534, MedGen C0028860, MONDO:0010645, OMIM 309000.

Submission:

Labcorp Genetics (formerly Invitae), Labcorp
Classification: Uncertain significance for Lowe syndrome. Last evaluated: 2023-05-29. Review status: criteria provided, single submitter. Criteria: Invitae Variant Classification Sherloc (09022015). Collection method: clinical testing. Allele origin: germline.
Comment: ClinVar contains an entry for this variant (Variation ID: 647197). This variant has not been reported in the literature in individuals affected with OCRL-related conditions. This variant is not present in population databases (gnomAD no frequency). This sequence change replaces arginine, which is basic and polar, with proline, which is neutral and non-polar, at codon 457 of the OCRL protein (p.Arg457Pro). Advanced modeling of protein sequence and biophysical properties (such as structural, functional, and spatial information, amino acid conservation, physicochemical variation, residue mobility, and thermodynamic stability) has been performed at Invitae for this missense variant, however the output from this modeling did not meet the statistical confidence thresholds required to predict the impact of this variant on OCRL protein function. In summary, the available evidence is currently insufficient to determine the role of this variant in disease. Therefore, it has been classified as a Variant of Uncertain Significance. This variant disrupts the p.Arg457 amino acid residue in OCRL. Other variant(s) that disrupt this residue have been observed in individuals with OCRL-related conditions (PMID: 21031565), which suggests that this may be a clinically significant amino acid residue.

Literature cited by the submitters: PubMed 21031565.